The following is an entry in ClinVar:

ClinVar aggregate classification (germline): Uncertain significance. Review status: criteria provided, multiple submitters, no conflicts (2 of 4 stars). 5 submissions from 2 submitters: Uncertain significance (5). Last evaluated 2023-04-05.

Conditions:
Retinitis pigmentosa (RP). Identifiers: Orphanet 791, MedGen C0035334, MeSH D012174, MONDO:0019200, OMIM 268000. Inheritance: Autosomal dominant, autosomal recessive and X linked inheritance.
Retinal macular dystrophy type 2 (MCDR2). Also called: Bull's eye macular dystrophy. Identifiers: Orphanet 319640, MedGen C4749334, MONDO:0011957, OMIM 608051.
Stargardt disease 4 (STGD4). Identifiers: Orphanet 827, MedGen C1863534, MONDO:0011370, OMIM 603786.
Cone-rod dystrophy 12 (CORD12). Identifiers: Orphanet 1872, MedGen C2675210, MONDO:0012983, OMIM 612657.

Allele frequency attached by ClinVar (database versions not stated): gnomAD exomes below 0.00001; ExAC 0.00001; TOPMed 0.00001.
gnomAD v4.1: 6 of 1,562,040 alleles (0.00038%); highest among the groups gnomAD compares: African/African-American, 0.0027%; no homozygotes.

Submissions (5):

Labcorp Genetics (formerly Invitae), Labcorp
Classification: Uncertain significance. Last evaluated: 2023-04-05. Review status: criteria provided, single submitter. Criteria: Invitae Variant Classification Sherloc (09022015). Collection method: clinical testing. Allele origin: germline.
Comment: This variant has not been reported in the literature in individuals affected with PROM1-related conditions. In summary, the available evidence is currently insufficient to determine the role of this variant in disease. Therefore, it has been classified as a Variant of Uncertain Significance. Algorithms developed to predict the effect of sequence changes on RNA splicing suggest that this variant may disrupt the consensus splice site. ClinVar contains an entry for this variant (Variation ID: 347980). This variant is present in population databases (rs777654968, gnomAD 0.005%). This sequence change falls in intron 21 of the PROM1 gene. It does not directly change the encoded amino acid sequence of the PROM1 protein.

Illumina Laboratory Services, Illumina
Classification: Uncertain significance for Retinal macular dystrophy type 2. Last evaluated: 2018-01-13. Review status: criteria provided, single submitter. Criteria: ICSL Variant Classification Criteria 13 December 2019. Collection method: clinical testing. Allele origin: germline.

Illumina Laboratory Services, Illumina
Classification: Uncertain significance for Retinitis pigmentosa. Last evaluated: 2018-01-13. Review status: criteria provided, single submitter. Criteria: ICSL Variant Classification Criteria 13 December 2019. Collection method: clinical testing. Allele origin: germline.

Illumina Laboratory Services, Illumina
Classification: Uncertain significance for Stargardt disease 4. Last evaluated: 2018-01-13. Review status: criteria provided, single submitter. Criteria: ICSL Variant Classification Criteria 13 December 2019. Collection method: clinical testing. Allele origin: germline.

Illumina Laboratory Services, Illumina
Classification: Uncertain significance for Cone-rod dystrophy 12. Last evaluated: 2018-01-13. Review status: criteria provided, single submitter. Criteria: ICSL Variant Classification Criteria 13 December 2019. Collection method: clinical testing. Allele origin: germline.

NM_006017.3(PROM1):c.2281-5C>G

Gene: PROM1 (prominin 1; minus strand). Cytogenetic location: 4p15.32.
Variant type: single nucleotide variant.
Coding change: c.2281-5C>G on transcript NM_006017.3 (MANE Select); 5 bases into the intron before coding-DNA position 2281, C replaced by G.
Molecular consequence: intron variant.
Genome position (GRCh38, 1-based): chr4:15,984,360, G>C on the plus strand (C>G on the coding strand, the complement: PROM1 is on the minus strand). VCF-style: chr4-15984360-G-C. GRCh37 (hg19) VCF-style: chr4-15985983-G-C.
Other names: c.2254-5C>G (NM_001145848.2, NM_001145852.2, NM_001145847.2 and 4 more transcripts); c.2281-5C>G (NM_001145850.2, NM_001145849.2).
Identifiers: ClinVar variation 347980 (VCV000347980.14), dbSNP rs777654968, ClinGen allele CA2866438.